The following is an entry in ClinVar:

ClinVar aggregate classification (germline): Conflicting classifications of pathogenicity. Review status: criteria provided, conflicting classifications (1 of 4 stars). 2 submissions from 2 submitters: Uncertain significance (1); Likely benign (1). Last evaluated 2026-02-03.

Conditions:
Hereditary cancer-predisposing syndrome. Also called: Neoplastic Syndromes, Hereditary; Tumor predisposition; Hereditary Cancer Syndrome; Hereditary neoplastic syndrome. Identifiers: Orphanet 140162, MedGen C0027672, MeSH D009386, MONDO:0015356.

Allele frequency attached by ClinVar (database versions not stated): ExAC 0.00002.

Submissions (2):

Labcorp Genetics (formerly Invitae), Labcorp
Classification: Uncertain significance. Last evaluated: 2026-02-03. Review status: criteria provided, single submitter. Criteria: Invitae Variant Classification Sherloc (09022015). Collection method: clinical testing. Allele origin: germline.
Comment: This sequence change replaces threonine, which is neutral and polar, with methionine, which is neutral and non-polar, at codon 73 of the HOXB13 protein (p.Thr73Met). This variant is present in population databases (rs763353615, gnomAD 0.006%). This variant has not been reported in the literature in individuals affected with HOXB13-related conditions. ClinVar contains an entry for this variant (Variation ID: 820850). Invitae Evidence Modeling of protein sequence and biophysical properties (such as structural, functional, and spatial information, amino acid conservation, physicochemical variation, residue mobility, and thermodynamic stability) indicates that this missense variant is not expected to disrupt HOXB13 protein function with a negative predictive value of 80%. In summary, the available evidence is currently insufficient to determine the role of this variant in disease. Therefore, it has been classified as a Variant of Uncertain Significance.

Ambry Genetics
Classification: Likely benign for Hereditary cancer-predisposing syndrome. Last evaluated: 2024-03-21. Review status: criteria provided, single submitter. Criteria: Ambry Variant Classification Scheme 2023. Collection method: clinical testing. Allele origin: germline.

Literature cited by the submitters: PubMed 31214711 (cited by Ambry Genetics).

NM_006361.6(HOXB13):c.218C>T (p.Thr73Met)

Gene: HOXB13 (homeobox B13; minus strand). Cytogenetic location: 17q21.32.
Variant type: single nucleotide variant.
Coding change: c.218C>T on transcript NM_006361.6 (MANE Select); coding-DNA position 218, C replaced by T.
Protein change: p.Thr73Met; replaces threonine 73 with methionine.
Molecular consequence: missense variant.
Genome position (GRCh38, 1-based): chr17:48,728,376, G>A on the plus strand (C>T on the coding strand, the complement: HOXB13 is on the minus strand). VCF-style: chr17-48728376-G-A. GRCh37 (hg19) VCF-style: chr17-46805738-G-A.
Other names: short protein forms T73M.
Identifiers: ClinVar variation 820850 (VCV000820850.16), dbSNP rs763353615, ClinGen allele CA8634038.